The following is an entry in ClinVar:

NM_001242896.3(DEPDC5):c.4306C>T (p.Arg1436Cys)

Gene: DEPDC5 (DEP domain containing 5, GATOR1 subcomplex subunit; plus strand). Cytogenetic location: 22q12.3.
Variant type: single nucleotide variant.
Coding change: c.4306C>T on transcript NM_001242896.3 (MANE Select); coding-DNA position 4306, C replaced by T.
Protein change: p.Arg1436Cys; replaces arginine 1436 with cysteine.
Molecular consequence: missense variant. On other transcripts: non-coding transcript variant (5).
Genome position (GRCh38, 1-based): chr22:31,897,584, C>T. VCF-style: chr22-31897584-C-T. GRCh37 (hg19) VCF-style: chr22-32293570-C-T.
Other names: c.4279C>T, p.Arg1427Cys (NM_001136029.4); c.4006C>T, p.Arg1336Cys (NM_001242897.2); c.4240C>T, p.Arg1414Cys (NM_001363852.2, NM_001364320.2); c.4072C>T, p.Arg1358Cys (NM_001363854.2, NM_001364319.2); c.4306C>T, p.Arg1436Cys (NM_001364318.2); c.4222C>T, p.Arg1408Cys (NM_001369901.1, NM_001369902.1); c.4213C>T, p.Arg1405Cys (NM_001369903.1, NM_014662.6); short protein forms R1336C, R1358C, R1436C, R1408C, R1414C, R1427C, R1405C.
Identifiers: ClinVar variation 654292 (VCV000654292.11), dbSNP rs778323702, ClinGen allele CA10197211.
Genomic context (GRCh38, chr22:31,897,584, plus strand): 5'-TTAGTCCCAGTTTTGGAGGGGCCTTTTGCACTGCCCAGTTACCTGTATGGCGACCCCCTT[C>T]GTGCCCAGCTCTTCATCCCACTCAACATCAGCTGCTTGCTCAAGGAGGGCAGCGAGCACC-3'
Protein context (NP_001229825.1, residues 1426-1446): LPSYLYGDPL[Arg1436Cys]AQLFIPLNIS

ClinVar aggregate classification (germline): Uncertain significance. Review status: criteria provided, multiple submitters, no conflicts (2 of 4 stars). 3 submissions from 3 submitters: Uncertain significance (3). Last evaluated 2024-08-05.

Conditions:
Familial focal epilepsy with variable foci (FPEVF). Identifiers: Orphanet 98820, MedGen C1858477, MONDO:0020310.

Allele frequency attached by ClinVar (database versions not stated): gnomAD 0.00001; TOPMed 0.00001; gnomAD exomes 0.00002; ExAC 0.00003.
gnomAD v4.1: 33 of 1,614,046 alleles (0.002%); highest among the groups gnomAD compares: East Asian, 0.0045%; no homozygotes.

Submissions (3):

Labcorp Genetics (formerly Invitae), Labcorp
Classification: Uncertain significance for Familial focal epilepsy with variable foci. Last evaluated: 2024-08-05. Review status: criteria provided, single submitter. Criteria: Invitae Variant Classification Sherloc (09022015). Collection method: clinical testing. Allele origin: germline.
Comment: This sequence change replaces arginine, which is basic and polar, with cysteine, which is neutral and slightly polar, at codon 1436 of the DEPDC5 protein (p.Arg1436Cys). This variant is present in population databases (rs778323702, gnomAD 0.004%). This variant has not been reported in the literature in individuals affected with DEPDC5-related conditions. ClinVar contains an entry for this variant (Variation ID: 654292). Experimental studies and prediction algorithms are not available or were not evaluated, and the functional significance of this variant is currently unknown. In summary, the available evidence is currently insufficient to determine the role of this variant in disease. Therefore, it has been classified as a Variant of Uncertain Significance.

Blueprint Genetics
Classification: Uncertain significance. Last evaluated: 2024-04-29. Review status: criteria provided, single submitter. Criteria: ACMG Guidelines, 2015. Collection method: clinical testing. Allele origin: germline.

GeneDx
Classification: Uncertain significance. Last evaluated: 2019-09-12. Review status: criteria provided, single submitter. Criteria: GeneDx Variant Classification Process June 2021. Collection method: clinical testing. Allele origin: germline. Affected: yes.
Comment: Not observed at a significant frequency in large population cohorts (Lek et al., 2016); In silico analysis, which includes protein predictors and evolutionary conservation, supports a deleterious effect; Has not been previously published as pathogenic or benign to our knowledge